The following is an entry in ClinVar:

ClinVar aggregate classification (germline): Likely pathogenic. Review status: criteria provided, multiple submitters, no conflicts (2 of 4 stars). 2 submissions from 2 submitters: Likely pathogenic (2). Last evaluated 2025-01-16.

Conditions:
Intellectual developmental disorder with autism and macrocephaly. Also called: Autism, susceptibility to, 18; CHD8-Related Neurodevelopmental Disorder with Overgrowth. Identifiers: Orphanet 642675, MedGen C3554373, MONDO:0014017, OMIM 615032.

Submissions (2):

Dasa
Classification: Likely pathogenic. Last evaluated: 2025-01-16. Review status: criteria provided, single submitter. Criteria: DASA Assertion Criteria. Collection method: clinical testing. Allele origin: germline.
Comment: NM_001170629.2(CHD8):c.3725G>A (p.Arg1242Gln) is a missense variant that results in the substitution of arginine with glutamine. This variant has been recurrently observed in individuals with CHD8-related disorders (PMID: 27824329; PMID: 26733790). This variant has been reported as a de novo occurrence in an affected individual (PMID: 27824329; PMID: 26733790). Also, this variant is absent from population databases. Computational evidence supports a deleterious effect. Based on the currently available evidence, this variant is classified as likely pathogenic.

Institute of Human Genetics, University of Goettingen
Classification: Likely pathogenic for Intellectual developmental disorder with autism and macrocephaly. Last evaluated: 2021-07-15. Review status: criteria provided, single submitter. Criteria: ACMG Guidelines, 2015. Collection method: case-control. Allele origin: unknown. Inheritance: Sporadic. Affected: yes. Observed: 1 variant allele, 1 heterozygote.
Comment: The variant c.3725G>A (p.(Arg1242Gln)) in exon 19 of the CHD8-gene is not found in the gnomAD database and it affects a highly conserved nucleotide a highly conserved amino acid within a protein domain and there is a small physicochemical difference between Arg and Gln. This variant has a pathogenic computational verdict based on 12 pathogenic predictions from BayesDel_addAF, DANN, DEOGEN2, EIGEN, FATHMM-MKL, LIST-S2, M-CAP, MVP, MutationAssessor, MutationTaster, PolyPhen-2 and SIFT vs 1 benign prediction from PrimateAI. Thus, we classify this variant as a likely pathogenic mutation. ACMG criteria used for classification: PS4, PM2, PP3, PP4, PP5.

Literature cited by the submitters: PubMed 27824329 (cited by Dasa and Institute of Human Genetics, University of Goettingen); PubMed 26733790 (cited by Dasa); PubMed 25363760 (cited by Institute of Human Genetics, University of Goettingen); PubMed 28191890 (cited by Institute of Human Genetics, University of Goettingen); PubMed 28714951 (cited by Institute of Human Genetics, University of Goettingen); PubMed 31981491 (cited by Institute of Human Genetics, University of Goettingen).

NM_001170629.2(CHD8):c.3725G>A (p.Arg1242Gln)

Gene: CHD8 (chromodomain helicase DNA binding protein 8; minus strand). Cytogenetic location: 14q11.2.
Variant type: single nucleotide variant.
Coding change: c.3725G>A on transcript NM_001170629.2 (MANE Select); coding-DNA position 3725, G replaced by A.
Protein change: p.Arg1242Gln; replaces arginine 1242 with glutamine.
Molecular consequence: missense variant.
Genome position (GRCh38, 1-based): chr14:21,402,493, C>T on the plus strand (G>A on the coding strand, the complement: CHD8 is on the minus strand). VCF-style: chr14-21402493-C-T. GRCh37 (hg19) VCF-style: chr14-21870652-C-T.
Other names: c.2888G>A, p.Arg963Gln (NM_020920.4); short protein forms R1242Q, R963Q.
Identifiers: ClinVar variation 1178331 (VCV001178331.5), dbSNP rs2139467378, ClinGen allele CA388899215.